The following is an entry in ClinVar:

NM_012123.4(MTO1):c.77G>T (p.Ser26Ile)

Gene: MTO1 (mitochondrial tRNA translation optimization 1; plus strand). Cytogenetic location: 6q13.
Variant type: single nucleotide variant.
Coding change: c.77G>T on transcript NM_012123.4 (MANE Select); coding-DNA position 77, G replaced by T.
Protein change: p.Ser26Ile; replaces serine 26 with isoleucine.
Molecular consequence: missense variant.
Genome position (GRCh38, 1-based): chr6:73,461,931, G>T. VCF-style: chr6-73461931-G-T. GRCh37 (hg19) VCF-style: chr6-74171654-G-T.
Other names: c.77G>T, p.Ser26Ile (NM_001123226.2, NM_133645.3); short protein forms S26I.
Identifiers: ClinVar variation 4532439 (VCV004532439.1).

ClinVar aggregate classification (germline): Uncertain significance (1 of 4 stars; one submission).

gnomAD v4.1: 2 of 1,614,164 alleles (0.00012%); highest among the groups gnomAD compares: African/African-American, 0.0013%; no homozygotes.

Submission:

GeneDx
Classification: Uncertain significance. Last evaluated: 2025-05-27. Review status: criteria provided, single submitter. Criteria: GeneDx Variant Classification Process June 2021. Collection method: clinical testing. Allele origin: germline. Affected: yes.
Comment: Not observed at significant frequency in large population cohorts (gnomAD); In silico analysis suggests that this missense variant does not alter protein structure/function; Has not been previously published as pathogenic or benign to our knowledge